The following is an entry in ClinVar:

NM_004656.4(BAP1):c.185dup (p.Ser63fs)

Gene: BAP1 (BRCA1 associated deubiquitinase 1; minus strand). Cytogenetic location: 3p21.1.
Variant type: Duplication.
Coding change: c.185dup on transcript NM_004656.4 (MANE Select); coding-DNA position 185, one base duplicated (T; older notation c.185dupT).
Protein change: p.Ser63fs; shifts the reading frame from serine 63.
Molecular consequence: frameshift variant.
Genome position (GRCh38, 1-based): chr3:52,408,544, A duplicated on the plus strand (T on the coding strand, the reverse complement: BAP1 is on the minus strand). VCF-style (leftmost placement, unchanged base first): chr3-52408543-G-GA. GRCh37 (hg19) VCF-style: chr3-52442559-G-GA.
Other names: c.185dup, p.Ser63fs (NM_001410772.1); c.185dupT (NM_004656.2); short protein forms S63fs.
Identifiers: ClinVar variation 3477712 (VCV003477712.1).

ClinVar aggregate classification (germline): Pathogenic (1 of 4 stars; one submission).

Conditions:
Hereditary cancer-predisposing syndrome. Also called: Tumor predisposition; Neoplastic Syndromes, Hereditary; Hereditary neoplastic syndrome; Hereditary Cancer Syndrome. Identifiers: Orphanet 140162, MedGen C0027672, MeSH D009386, MONDO:0015356.

Submission:

Ambry Genetics
Classification: Pathogenic for Hereditary cancer-predisposing syndrome. Last evaluated: 2024-10-25. Review status: criteria provided, single submitter. Criteria: Ambry Variant Classification Scheme 2023. Collection method: clinical testing. Allele origin: germline.
Comment: The c.185dupT pathogenic mutation, located in coding exon 4 of the BAP1 gene, results from a duplication of T at nucleotide position 185, causing a translational frameshift with a predicted alternate stop codon (p.S63Lfs*6). This variant is considered to be rare based on population cohorts in the Genome Aggregation Database (gnomAD). This alteration is expected to result in loss of function by premature protein truncation or nonsense-mediated mRNA decay. As such, this alteration is interpreted as a disease-causing mutation.